The following is an entry in ClinVar:

NM_052988.5(CDK10):c.12A>T (p.Pro4=)

Genes: CDK10 (cyclin dependent kinase 10; plus strand), LINC02166 (long independently transcribed non-coding RNA 2166; minus strand). Cytogenetic location: 16q24.3.
Variant type: single nucleotide variant.
Coding change: c.12A>T on transcript NM_052988.5 (MANE Select); coding-DNA position 12, A replaced by T.
Protein change: p.Pro4=; no amino-acid change (proline 4 retained).
Molecular consequence: synonymous variant. On other transcripts: non-coding transcript variant (6), 5 prime UTR variant (3).
Genome position (GRCh38, 1-based): chr16:89,686,722, A>T. VCF-style: chr16-89686722-A-T. GRCh37 (hg19) VCF-style: chr16-89753130-A-T.
Other names: c.-164A>T (NM_001098533.3, NM_001160367.2, NM_052987.4).
Identifiers: ClinVar variation 2570958 (VCV002570958.27), dbSNP rs192221267, ClinGen allele CA8247619.

ClinVar aggregate classification (germline): Likely benign (1 of 4 stars; one submission).

Allele frequency attached by ClinVar (database versions not stated): 1000 Genomes Project 0.00140; 1000 Genomes Project 30x 0.00203; TOPMed 0.00406; ESP Exome Variant Server 0.00410; gnomAD 0.00434; ExAC 0.00630.
gnomAD v4.1: 8,565 of 1,605,928 alleles (0.53%); highest among the groups gnomAD compares: Non-Finnish European, 0.61%; 35 homozygotes.

Submission:

CeGaT Center for Human Genetics Tuebingen
Classification: Likely benign. Last evaluated: 2026-03-01. Review status: criteria provided, single submitter. Criteria: CeGaT Center For Human Genetics Tuebingen Variant Classification Criteria Version 2. Collection method: clinical testing. Allele origin: germline. Affected: yes. Observed: 32 variant alleles.
Comment: CDK10: BP4, BP7, BS2